The following is an entry in ClinVar:

NM_001199.4(BMP1):c.2179C>T (p.Arg727Trp)

Gene: BMP1 (bone morphogenetic protein 1; plus strand). Cytogenetic location: 8p21.3.
Variant type: single nucleotide variant.
Coding change: c.2179C>T on transcript NM_001199.4 (MANE Plus Clinical); coding-DNA position 2179, C replaced by T.
Protein change: p.Arg727Trp; replaces arginine 727 with tryptophan.
Molecular consequence: missense variant. On other transcripts: non-coding transcript variant (1), intron variant (1).
Genome position (GRCh38, 1-based): chr8:22,201,189, C>T. VCF-style: chr8-22201189-C-T. GRCh37 (hg19) VCF-style: chr8-22058702-C-T.
Other names: c.2108-614C>T (NM_006129.5); short protein forms R727W.
Identifiers: ClinVar variation 1532784 (VCV001532784.8), dbSNP rs753420167, ClinGen allele CA4665090.
Genomic context (GRCh38, chr8:22,201,189, plus strand): 5'-GCTCTGCAGCCCCCTCGGGGACGCCCCCACCAGCTCAAATTCCGAGTGCAGAAAAGAAAC[C>T]GGACCCCCCAGTGAGGCCTGCCAGGCCTCCCGGACCCCTTGTTACTCAGGAACCTCACCT-3'
Protein context (NP_001190.1, residues 717-730): QLKFRVQKRN[Arg727Trp]TPQ

ClinVar aggregate classification (germline): Uncertain significance (1 of 4 stars; one submission).

Allele frequency attached by ClinVar (database versions not stated): ExAC 0.00001; gnomAD 0.00001; gnomAD exomes 0.00002.

Submission:

Labcorp Genetics (formerly Invitae), Labcorp
Classification: Uncertain significance. Last evaluated: 2025-10-04. Review status: criteria provided, single submitter. Criteria: Invitae Variant Classification Sherloc (09022015). Collection method: clinical testing. Allele origin: germline.
Comment: The BMP1 gene has multiple clinically relevant transcripts. This variant occurs in alternate transcript NM_001199.3, and corresponds to NM_006129.4:c.2108-614C>T in the primary transcript. This sequence change replaces arginine, which is basic and polar, with tryptophan, which is neutral and slightly polar, at codon 727 of the BMP1 protein (p.Arg727Trp). This variant is present in population databases (rs753420167, gnomAD 0.003%). This variant has not been reported in the literature in individuals affected with BMP1-related conditions. ClinVar contains an entry for this variant (Variation ID: 1532784). Experimental studies and prediction algorithms are not available or were not evaluated, and the functional significance of this variant is currently unknown. Algorithms developed to predict the effect of sequence changes on RNA splicing suggest that this variant is not likely to affect RNA splicing. In summary, the available evidence is currently insufficient to determine the role of this variant in disease. Therefore, it has been classified as a Variant of Uncertain Significance.